The following is an entry in ClinVar:

ClinVar aggregate classification (germline): Uncertain significance (1 of 4 stars; one submission).

Conditions:
Idiopathic generalized epilepsy. Also called: EIG; Generalised epilepsy. Identifiers: MedGen C0270850, MONDO:0005579, OMIM 600669.

Submission:

Labcorp Genetics (formerly Invitae), Labcorp
Classification: Uncertain significance for Idiopathic generalized epilepsy. Last evaluated: 2024-10-24. Review status: criteria provided, single submitter. Criteria: Invitae Variant Classification Sherloc (09022015). Collection method: clinical testing. Allele origin: germline.
Comment: This sequence change creates a premature translational stop signal (p.Ser366Cysfs*62) in the GABRD gene. While this is not anticipated to result in nonsense mediated decay, it is expected to disrupt the last 87 amino acid(s) of the GABRD protein. This variant is not present in population databases (gnomAD no frequency). This variant has not been reported in the literature in individuals affected with GABRD-related conditions. Experimental studies and prediction algorithms are not available or were not evaluated, and the functional significance of this variant is currently unknown. In summary, the available evidence is currently insufficient to determine the role of this variant in disease. Therefore, it has been classified as a Variant of Uncertain Significance.

NM_000815.5(GABRD):c.1097_1098del (p.Ser366fs)

Gene: GABRD (gamma-aminobutyric acid type A receptor subunit delta; plus strand). Cytogenetic location: 1p36.33.
Variant type: Microsatellite.
Coding change: c.1097_1098del on transcript NM_000815.5 (MANE Select); coding-DNA positions 1097 to 1098, 2 bases deleted (CT; older notation c.1097_1098delCT).
Protein change: p.Ser366fs; shifts the reading frame from serine 366.
Molecular consequence: frameshift variant.
Genome position (GRCh38, 1-based): chr1:2,030,020-2,030,021, CT deleted; deleting any 2 consecutive bases within chr1:2,030,016-2,030,021 gives the same sequence; the c. name uses the placement nearest the transcript's 3' end. VCF-style (leftmost placement, unchanged base first): chr1-2030015-CCT-C. GRCh37 (hg19) VCF-style: chr1-1961454-CCT-C.
Other names: short protein forms S366fs.
Identifiers: ClinVar variation 2762462 (VCV002762462.3), dbSNP rs2525647555, ClinGen allele CA2697552150.
Genomic context (GRCh38, chr1:2,030,015, plus strand): 5'-CCTGTCTCCCCCACCGGCCTTCGTGCAGATGGACGTGAGGAACGCCATTGTCCTCTTCTC[CCT>C]CTCTGCTGCCGGCGTCACGCAGGAGCTGGCCATCTCCCGCCGGCAGCGCCGCGTCCCGGG-3'